The following is an entry in ClinVar:

NM_139343.3(BIN1):c.1675G>A (p.Asp559Asn)

Gene: BIN1 (bridging integrator 1; minus strand). Cytogenetic location: 2q14.3.
Variant type: single nucleotide variant.
Coding change: c.1675G>A on transcript NM_139343.3 (MANE Select); coding-DNA position 1675, G replaced by A.
Protein change: p.Asp559Asn; replaces aspartic acid 559 with asparagine.
Molecular consequence: missense variant.
Genome position (GRCh38, 1-based): chr2:127,048,633, C>T on the plus strand (G>A on the coding strand, the complement: BIN1 is on the minus strand). VCF-style: chr2-127048633-C-T. GRCh37 (hg19) VCF-style: chr2-127806209-C-T.
Other names: c.1168G>A, p.Asp390Asn (NM_001320632.2); c.1306G>A, p.Asp436Asn (NM_001320633.2); c.1051G>A, p.Asp351Asn (NM_001320634.1); c.1435G>A, p.Asp479Asn (NM_001320640.2); c.1582G>A, p.Asp528Asn (NM_001320641.2); c.1594G>A, p.Asp532Asn (NM_001320642.1); c.1258G>A, p.Asp420Asn (NM_004305.4); c.1546G>A, p.Asp516Asn (NM_139344.3); and 7 more; short protein forms D375N, D390N, D472N, D528N, D532N, D405N, D441N, D559N.
Identifiers: ClinVar variation 2741096 (VCV002741096.3), dbSNP rs1452086430, ClinGen allele CA348373755.

ClinVar aggregate classification (germline): Uncertain significance (1 of 4 stars; one submission).

Conditions:
Myopathy, centronuclear, 2 (CNM2). Also called: MYOTUBULAR MYOPATHY, AUTOSOMAL RECESSIVE. Identifiers: Orphanet 169186, MedGen CN031787, MONDO:0009709, OMIM 255200.

Allele frequency attached by ClinVar (database versions not stated): gnomAD exomes 0.00001.
gnomAD v4.1: 3 of 1,612,614 alleles (0.00019%); highest among the groups gnomAD compares: Admixed American, 0.0017%; no homozygotes.

Submission:

Labcorp Genetics (formerly Invitae), Labcorp
Classification: Uncertain significance for Myopathy, centronuclear, 2. Last evaluated: 2023-12-15. Review status: criteria provided, single submitter. Criteria: Invitae Variant Classification Sherloc (09022015). Collection method: clinical testing. Allele origin: germline.
Comment: This sequence change replaces aspartic acid, which is acidic and polar, with asparagine, which is neutral and polar, at codon 559 of the BIN1 protein (p.Asp559Asn). This variant is present in population databases (no rsID available, gnomAD 0.0009%). This variant has not been reported in the literature in individuals affected with BIN1-related conditions. An algorithm developed to predict the effect of missense changes on protein structure and function (PolyPhen-2) suggests that this variant is likely to be disruptive. In summary, the available evidence is currently insufficient to determine the role of this variant in disease. Therefore, it has been classified as a Variant of Uncertain Significance.